The following is an entry in ClinVar:

ClinVar aggregate classification (germline): Uncertain significance. Review status: criteria provided, multiple submitters, no conflicts (2 of 4 stars). 5 submissions from 5 submitters: Uncertain significance (5). Last evaluated 2023-04-11.

Conditions:
Inborn genetic diseases. Identifiers: MedGen C0950123, MeSH D030342.
Microcephaly 5, primary, autosomal recessive (MCPH5). Also called: ASPM Primary Microcephaly. Identifiers: Orphanet 2512, MedGen C1837501, MONDO:0012106, OMIM 608716.

Allele frequency attached by ClinVar (database versions not stated): gnomAD exomes 0.00002 and 0.00005; gnomAD 0.00003; TOPMed 0.00004; ExAC 0.00005; ESP Exome Variant Server 0.00008; 1000 Genomes Project 30x 0.00016; 1000 Genomes Project 0.00020.
gnomAD v4.1: 40 of 1,613,752 alleles (0.0025%); highest among the groups gnomAD compares: Admixed American, 0.0033%; no homozygotes.

Submissions (5):

Genome-Nilou Lab
Classification: Uncertain significance for Microcephaly 5, primary, autosomal recessive. Last evaluated: 2023-04-11. Review status: criteria provided, single submitter. Criteria: ACMG Guidelines, 2015. Collection method: clinical testing. Allele origin: germline. Affected: no.

Ambry Genetics
Classification: Uncertain significance for Inborn genetic diseases. Last evaluated: 2022-10-25. Review status: criteria provided, single submitter. Criteria: Ambry Variant Classification Scheme 2023. Collection method: clinical testing. Allele origin: germline.

GeneDx
Classification: Uncertain significance. Last evaluated: 2019-05-03. Review status: criteria provided, single submitter. Criteria: GeneDx Variant Classification Process June 2021. Collection method: clinical testing. Allele origin: germline. Affected: yes.
Comment: Not observed at a significant frequency in large population cohorts (Lek et al., 2016); In silico analysis, which includes protein predictors and evolutionary conservation, supports a deleterious effect; Missense variant in a gene in which most reported pathogenic variants are truncating/loss-of-function; Has not been previously published as pathogenic or benign to our knowledge

Mayo Clinic Laboratories, Mayo Clinic
Classification: Uncertain significance for Microcephaly 5, primary, autosomal recessive. Last evaluated: 2016-11-30. Review status: criteria provided, single submitter. Criteria: ACMG Guidelines, 2015. Collection method: clinical testing. Allele origin: paternal.

Genetic Services Laboratory, University of Chicago
Classification: Uncertain significance. Last evaluated: 2015-10-29. Review status: criteria provided, single submitter. Criteria: ACMG Guidelines, 2015. Collection method: clinical testing. Allele origin: germline. Affected: no.

NM_018136.5(ASPM):c.2080C>T (p.Arg694Cys)

Gene: ASPM (assembly factor for spindle microtubules; minus strand). Cytogenetic location: 1q31.3.
Variant type: single nucleotide variant.
Coding change: c.2080C>T on transcript NM_018136.5 (MANE Select); coding-DNA position 2080, C replaced by T.
Protein change: p.Arg694Cys; replaces arginine 694 with cysteine.
Molecular consequence: missense variant.
Genome position (GRCh38, 1-based): chr1:197,135,189, G>A on the plus strand (C>T on the coding strand, the complement: ASPM is on the minus strand). VCF-style: chr1-197135189-G-A. GRCh37 (hg19) VCF-style: chr1-197104319-G-A.
Other names: c.2080C>T, p.Arg694Cys (NM_001206846.2); short protein forms R694C.
Identifiers: ClinVar variation 434417 (VCV000434417.15), dbSNP rs367946511, ClinGen allele CA1310556.